The following is an entry in ClinVar:

ClinVar aggregate classification (germline): Likely benign. Review status: criteria provided, single submitter (1 of 4 stars). 2 submissions from 2 submitters: Likely benign (1). 1 of the submissions does not count toward it. Last evaluated 2025-09-01.

Conditions:
SCAF4-related disorder. Also called: SCAF4-related condition.

Allele frequency attached by ClinVar (database versions not stated): 1000 Genomes Project 0.00040; 1000 Genomes Project 30x 0.00062; gnomAD 0.00110; TOPMed 0.00113; ESP Exome Variant Server 0.00161; gnomAD exomes 0.00165; ExAC 0.00247.
gnomAD v4.1: 2,573 of 1,610,380 alleles (0.16%); highest among the groups gnomAD compares: Non-Finnish European, 0.2%; 3 homozygotes.

Submissions (2):

CeGaT Center for Human Genetics Tuebingen
Classification: Likely benign. Last evaluated: 2025-09-01. Review status: criteria provided, single submitter. Criteria: CeGaT Center For Human Genetics Tuebingen Variant Classification Criteria Version 2. Collection method: clinical testing. Allele origin: germline. Affected: yes. Observed: 3 variant alleles.
Comment: SCAF4: BS1

PreventionGenetics, part of Exact Sciences
Classification: Likely benign for SCAF4-related condition. Last evaluated: 2022-11-11. Review status: no assertion criteria provided. Collection method: clinical testing. Allele origin: germline. Not counted in ClinVar's aggregate classification.
Comment: This variant is classified as likely benign based on ACMG/AMP sequence variant interpretation guidelines (Richards et al. 2015 PMID: 25741868, with internal and published modifications).

NM_020706.2(SCAF4):c.2287A>C (p.Ile763Leu)

Gene: SCAF4 (SR-related CTD associated factor 4; minus strand). Cytogenetic location: 21q22.11.
Variant type: single nucleotide variant.
Coding change: c.2287A>C on transcript NM_020706.2 (MANE Select); coding-DNA position 2287, A replaced by C.
Protein change: p.Ile763Leu; replaces isoleucine 763 with leucine.
Molecular consequence: missense variant.
Genome position (GRCh38, 1-based): chr21:31,685,407, T>G on the plus strand (A>C on the coding strand, the complement: SCAF4 is on the minus strand). VCF-style: chr21-31685407-T-G. GRCh37 (hg19) VCF-style: chr21-33057720-T-G.
Other names: c.2242A>C, p.Ile748Leu (NM_001145444.1); c.2287A>C, p.Ile763Leu (NM_001145445.1); short protein forms I748L, I763L.
Identifiers: ClinVar variation 2652588 (VCV002652588.25), dbSNP rs143431814, ClinGen allele CA9999317.